The following is an entry in ClinVar:

ClinVar aggregate classification (germline): Uncertain significance (1 of 4 stars; one submission).

Allele frequency attached by ClinVar (database versions not stated): gnomAD exomes 0.00001; ExAC 0.00002.
gnomAD v4.1: 8 of 1,614,130 alleles (0.0005%); highest among the groups gnomAD compares: South Asian, 0.0022%; no homozygotes.

Submission:

GeneDx
Classification: Uncertain significance. Last evaluated: 2022-01-24. Review status: criteria provided, single submitter. Criteria: GeneDx Variant Classification Process June 2021. Collection method: clinical testing. Allele origin: germline. Affected: yes.
Comment: Not observed at significant frequency in large population cohorts (gnomAD); In silico analysis supports that this missense variant does not alter protein structure/function; Has not been previously published as pathogenic or benign to our knowledge

NM_002206.3(ITGA7):c.3082C>T (p.Pro1028Ser)

Gene: ITGA7 (integrin subunit alpha 7; minus strand). Cytogenetic location: 12q13.2.
Variant type: single nucleotide variant.
Coding change: c.3082C>T on transcript NM_002206.3 (MANE Select); coding-DNA position 3082, C replaced by T.
Protein change: p.Pro1028Ser; replaces proline 1028 with serine.
Molecular consequence: missense variant.
Genome position (GRCh38, 1-based): chr12:55,688,072, G>A on the plus strand (C>T on the coding strand, the complement: ITGA7 is on the minus strand). VCF-style: chr12-55688072-G-A. GRCh37 (hg19) VCF-style: chr12-56081856-G-A.
Other names: c.3094C>T, p.Pro1032Ser (NM_001144996.2); c.2803C>T, p.Pro935Ser (NM_001144997.2); c.2755C>T, p.Pro919Ser (NM_001367993.1); c.1738C>T, p.Pro580Ser (NM_001367994.1); c.3064C>T, p.Pro1022Ser (NM_001374465.1); c.3214C>T, p.Pro1072Ser (NM_001410977.1); c.3076C>T, p.Pro1026Ser (NM_001414029.1); c.3007C>T, p.Pro1003Ser (NM_001414030.1); and 5 more; short protein forms P1022S, P1028S, P1032S, P580S, P919S, P935S, P1072S, P1003S.
Identifiers: ClinVar variation 1698314 (VCV001698314.2), dbSNP rs779998014, ClinGen allele CA6615346.